The following is an entry in ClinVar:

NM_001376.5(DYNC1H1):c.12977A>G (p.Asn4326Ser)

Gene: DYNC1H1 (dynein cytoplasmic 1 heavy chain 1; plus strand). Cytogenetic location: 14q32.31.
Variant type: single nucleotide variant.
Coding change: c.12977A>G on transcript NM_001376.5 (MANE Select); coding-DNA position 12977, A replaced by G.
Protein change: p.Asn4326Ser; replaces asparagine 4326 with serine.
Molecular consequence: missense variant.
Genome position (GRCh38, 1-based): chr14:102,044,669, A>G. VCF-style: chr14-102044669-A-G. GRCh37 (hg19) VCF-style: chr14-102511006-A-G.
Other names: short protein forms N4326S.
Identifiers: ClinVar variation 3636188 (VCV003636188.2).

ClinVar aggregate classification (germline): Uncertain significance (1 of 4 stars; one submission).

Conditions:
Charcot-Marie-Tooth disease axonal type 2O. Also called: Charcot-Marie-Tooth disease, axonal, type 20; CHARCOT-MARIE-TOOTH NEUROPATHY, AXONAL, TYPE 2O; CHARCOT-MARIE-TOOTH DISEASE, AXONAL, AUTOSOMAL DOMINANT, TYPE 2O; Charcot-Marie-Tooth Neuropathy Type 2O. Identifiers: Orphanet 284232, MedGen C3280220, MONDO:0013644, OMIM 614228.

gnomAD v4.1: 1 of 1,614,010 alleles (0.000062%); highest among the groups gnomAD compares: African/African-American, 0.0013%; no homozygotes.

Submission:

Labcorp Genetics (formerly Invitae), Labcorp
Classification: Uncertain significance for Charcot-Marie-Tooth disease axonal type 2O. Last evaluated: 2024-12-24. Review status: criteria provided, single submitter. Criteria: Invitae Variant Classification Sherloc (09022015). Collection method: clinical testing. Allele origin: germline.
Comment: This sequence change replaces asparagine, which is neutral and polar, with serine, which is neutral and polar, at codon 4326 of the DYNC1H1 protein (p.Asn4326Ser). This variant is not present in population databases (gnomAD no frequency). This variant has not been reported in the literature in individuals affected with DYNC1H1-related conditions. Invitae Evidence Modeling of protein sequence and biophysical properties (such as structural, functional, and spatial information, amino acid conservation, physicochemical variation, residue mobility, and thermodynamic stability) has been performed for this missense variant. However, the output from this modeling did not meet the statistical confidence thresholds required to predict the impact of this variant on DYNC1H1 protein function. In summary, the available evidence is currently insufficient to determine the role of this variant in disease. Therefore, it has been classified as a Variant of Uncertain Significance.